The following is an entry in ClinVar:

NM_000414.4(HSD17B4):c.739+1G>T

Gene: HSD17B4 (hydroxysteroid 17-beta dehydrogenase 4; plus strand). Cytogenetic location: 5q23.1.
Variant type: single nucleotide variant.
Coding change: c.739+1G>T on transcript NM_000414.4 (MANE Select); the canonical splice donor site of the intron after coding-DNA position 739, G replaced by T.
Molecular consequence: splice donor variant.
Genome position (GRCh38, 1-based): chr5:119,492,125, G>T. VCF-style: chr5-119492125-G-T. GRCh37 (hg19) VCF-style: chr5-118827820-G-T.
Other names: c.328+1G>T (NM_001374503.1, NM_001374502.1, NM_001374501.1); c.814+1G>T (NM_001199291.3); c.412+1G>T (NM_001374499.1); c.298+1G>T (NM_001374500.1); c.319+1G>T (NM_001292028.2); c.667+1G>T (NM_001292027.2); c.739+1G>T (NM_001374498.1); c.730+1G>T (NM_001374497.1); and 1 more.
Identifiers: ClinVar variation 2092383 (VCV002092383.5), dbSNP rs1561456373, ClinGen allele CA360867134.

ClinVar aggregate classification (germline): Likely pathogenic. Review status: criteria provided, multiple submitters, no conflicts (2 of 4 stars). 2 submissions from 2 submitters: Likely pathogenic (2). Last evaluated 2024-02-06.

Conditions:
Perrault syndrome. Also called: Gonadal dysgenesis with auditory dysfunction, autosomal recessive inheritance. Identifiers: Orphanet 2855, MedGen C0685838, MONDO:0017312.
Bifunctional peroxisomal enzyme deficiency (DBIF). Also called: D-bifunctional protein deficiency; DBP DEFICIENCY; PBFE DEFICIENCY. Identifiers: Orphanet 300, MedGen C0342870, MONDO:0009855, OMIM 261515. Disease mechanism: loss of function.

gnomAD v4.1: 1 of 1,605,926 alleles (0.000062%); highest among the groups gnomAD compares: African/African-American, 0.0013%; no homozygotes.

Submissions (2):

Baylor Genetics
Classification: Likely pathogenic for Bifunctional peroxisomal enzyme deficiency. Last evaluated: 2024-02-06. Review status: criteria provided, single submitter. Criteria: ACMG Guidelines, 2015. Collection method: clinical testing. Allele origin: unknown.

Labcorp Genetics (formerly Invitae), Labcorp
Classification: Likely pathogenic for Perrault syndrome; Bifunctional peroxisomal enzyme deficiency. Last evaluated: 2023-09-08. Review status: criteria provided, single submitter. Criteria: Invitae Variant Classification Sherloc (09022015). Collection method: clinical testing. Allele origin: germline.
Comment: This variant is not present in population databases (gnomAD no frequency). In summary, the currently available evidence indicates that the variant is pathogenic, but additional data are needed to prove that conclusively. Therefore, this variant has been classified as Likely Pathogenic. Algorithms developed to predict the effect of sequence changes on RNA splicing suggest that this variant may disrupt the consensus splice site. ClinVar contains an entry for this variant (Variation ID: 2092383). This variant has not been reported in the literature in individuals affected with HSD17B4-related conditions. This sequence change affects a donor splice site in intron 10 of the HSD17B4 gene. It is expected to disrupt RNA splicing. Variants that disrupt the donor or acceptor splice site typically lead to a loss of protein function (PMID: 16199547), and loss-of-function variants in HSD17B4 are known to be pathogenic (PMID: 11810648, 16385454, 20673864).

Literature cited by the submitters: PubMed 16199547 (cited by Labcorp Genetics (formerly Invitae), Labcorp); PubMed 11810648 (cited by Labcorp Genetics (formerly Invitae), Labcorp); PubMed 16385454 (cited by Labcorp Genetics (formerly Invitae), Labcorp); PubMed 20673864 (cited by Labcorp Genetics (formerly Invitae), Labcorp).